The following is an entry in ClinVar:

NM_014363.6(SACS):c.5790C>T (p.Asp1930=)

Gene: SACS (sacsin molecular chaperone; minus strand). Cytogenetic location: 13q12.12.
Variant type: single nucleotide variant.
Coding change: c.5790C>T on transcript NM_014363.6 (MANE Select); coding-DNA position 5790, C replaced by T.
Protein change: p.Asp1930=; no amino-acid change (aspartic acid 1930 retained).
Molecular consequence: synonymous variant.
Genome position (GRCh38, 1-based): chr13:23,338,086, G>A on the plus strand (C>T on the coding strand, the complement: SACS is on the minus strand). VCF-style: chr13-23338086-G-A. GRCh37 (hg19) VCF-style: chr13-23912225-G-A.
Other names: c.5349C>T, p.Asp1783= (NM_001278055.2); c.5790C>T (NM_014363.5).
Identifiers: ClinVar variation 1137262 (VCV001137262.11), dbSNP rs137910940, ClinGen allele CA6911194.

ClinVar aggregate classification (germline): Likely benign. Review status: criteria provided, multiple submitters, no conflicts (2 of 4 stars). 3 submissions from 3 submitters: Likely benign (3). Last evaluated 2026-02-25.

Conditions:
Spastic paraplegia. Identifiers: MedGen C0037772, HP:0001258.
SACS-related disorder. Also called: SACS-related condition.

Allele frequency attached by ClinVar (database versions not stated): gnomAD exomes 0.00005 and 0.00006; TOPMed 0.00006; ExAC 0.00007; gnomAD 0.00009 and 0.00010; ESP Exome Variant Server 0.00015; 1000 Genomes Project 30x 0.00016; 1000 Genomes Project 0.00020.
gnomAD v4.1: 88 of 1,614,018 alleles (0.0055%); highest among the groups gnomAD compares: Non-Finnish European, 0.006%; no homozygotes.

Submissions (3):

PreventionGenetics, part of Exact Sciences
Classification: Likely benign for SACS-related condition. Last evaluated: 2026-02-25. Review status: criteria provided, single submitter. Criteria: ACMG Guidelines, 2015. Collection method: clinical testing. Allele origin: germline.
Comment: This variant is classified as likely benign based on ACMG/AMP sequence variant interpretation guidelines (Richards et al. 2015 PMID: 25741868, with internal and published modifications).

Blueprint Genetics
Classification: Likely benign. Last evaluated: 2024-09-03. Review status: criteria provided, single submitter. Criteria: ACMG Guidelines, 2015. Collection method: clinical testing. Allele origin: germline.

Labcorp Genetics (formerly Invitae), Labcorp
Classification: Likely benign for Spastic paraplegia. Last evaluated: 2024-06-23. Review status: criteria provided, single submitter. Criteria: Invitae Variant Classification Sherloc (09022015). Collection method: clinical testing. Allele origin: germline.